The following is an entry in ClinVar:

NM_001082486.2(ACD):c.869G>A (p.Ser290Asn)

Gene: ACD (ACD shelterin complex subunit and telomerase recruitment factor; minus strand). Cytogenetic location: 16q22.1.
Variant type: single nucleotide variant.
Coding change: c.869G>A on transcript NM_001082486.2 (MANE Select); coding-DNA position 869, G replaced by A.
Protein change: p.Ser290Asn; replaces serine 290 with asparagine.
Molecular consequence: missense variant.
Genome position (GRCh38, 1-based): chr16:67,658,323, C>T on the plus strand (G>A on the coding strand, the complement: ACD is on the minus strand). VCF-style: chr16-67658323-C-T. GRCh37 (hg19) VCF-style: chr16-67692226-C-T.
Other names: c.782G>A, p.Ser261Asn (NM_001410884.1); c.860G>A, p.Ser287Asn (NM_022914.3); short protein forms S290N, S287N, S261N.
Identifiers: ClinVar variation 1799390 (VCV001799390.2), dbSNP rs755104697, ClinGen allele CA8114488.

ClinVar aggregate classification (germline): Uncertain significance (1 of 4 stars; one submission).

Conditions:
Inborn genetic diseases. Identifiers: MedGen C0950123, MeSH D030342.

Allele frequency attached by ClinVar (database versions not stated): ExAC 0.00001.
gnomAD v4.1: 3 of 1,613,888 alleles (0.00019%); highest among the groups gnomAD compares: Admixed American, 0.005%; no homozygotes.

Submission:

Ambry Genetics
Classification: Uncertain significance for Inborn genetic diseases. Last evaluated: 2022-02-05. Review status: criteria provided, single submitter. Criteria: Ambry Variant Classification Scheme 2023. Collection method: clinical testing. Allele origin: germline.
Comment: The p.S376N variant (also known as c.1127G>A), located in coding exon 10 of the ACD gene, results from a G to A substitution at nucleotide position 1127. The serine at codon 376 is replaced by asparagine, an amino acid with highly similar properties. This amino acid position is conserved. In addition, this alteration is predicted to be tolerated by in silico analysis. Since supporting evidence is limited at this time, the clinical significance of this alteration remains unclear.